The following is an entry in ClinVar:

NM_138420.4(AHNAK2):c.6022G>A (p.Glu2008Lys)

Gene: AHNAK2 (AHNAK nucleoprotein 2; minus strand). Cytogenetic location: 14q32.33.
Variant type: single nucleotide variant.
Coding change: c.6022G>A on transcript NM_138420.4 (MANE Select); coding-DNA position 6022, G replaced by A.
Protein change: p.Glu2008Lys; replaces glutamic acid 2008 with lysine.
Molecular consequence: missense variant.
Genome position (GRCh38, 1-based): chr14:104,949,429, C>T on the plus strand (G>A on the coding strand, the complement: AHNAK2 is on the minus strand). VCF-style: chr14-104949429-C-T. GRCh37 (hg19) VCF-style: chr14-105415766-C-T.
Other names: c.5722G>A, p.Glu1908Lys (NM_001350929.2); short protein forms E1908K, E2008K.
Identifiers: ClinVar variation 2644765 (VCV002644765.24), dbSNP rs200125045, ClinGen allele CA7381392.

ClinVar aggregate classification (germline): Benign (1 of 4 stars; one submission).

Allele frequency attached by ClinVar (database versions not stated): ExAC 0.00058; 1000 Genomes Project 30x 0.00219; 1000 Genomes Project 0.00220.
gnomAD v4.1: 525 of 1,587,286 alleles (0.033%); highest among the groups gnomAD compares: South Asian, 0.33%; 49 homozygotes.

Submission:

CeGaT Center for Human Genetics Tuebingen
Classification: Benign. Last evaluated: 2022-09-01. Review status: criteria provided, single submitter. Criteria: CeGaT Center For Human Genetics Tuebingen Variant Classification Criteria Version 2. Collection method: clinical testing. Allele origin: germline. Affected: yes. Observed: 1 variant allele.
Comment: AHNAK2: BS1, BS2